The following is an entry in ClinVar:

ClinVar aggregate classification (germline): Likely benign (1 of 4 stars; one submission).

Conditions:
Melanoma, cutaneous malignant, susceptibility to, 3. Also called: Cutaneous malignant melanoma 3. Identifiers: Orphanet 618, MedGen C1836892, MONDO:0012183, OMIM 609048.

Submission:

Myriad Genetics, Inc.
Classification: Likely benign for Melanoma, cutaneous malignant, susceptibility to, 3. Last evaluated: 2024-09-25. Review status: criteria provided, single submitter. Criteria: Myriad Autosomal Dominant, Autosomal Recessive and X-Linked Classification Criteria (2023). Collection method: clinical testing. Allele origin: unknown.
Comment: This variant is considered likely benign. This variant is intronic and is not expected to impact mRNA splicing.

NM_000075.4(CDK4):c.219-17_219-16delinsAT

Gene: CDK4 (cyclin dependent kinase 4; minus strand). Cytogenetic location: 12q14.1.
Variant type: Indel.
Coding change: c.219-17_219-16delinsAT on transcript NM_000075.4 (MANE Select); 17 bases into the intron before coding-DNA position 219 through 16 bases into the intron before coding-DNA position 219, GC replaced by AT.
Molecular consequence: intron variant.
Genome position (GRCh38, 1-based): chr12:57,751,358-57,751,359, GC replaced by AT on the plus strand (GC replaced by AT on the coding strand, the reverse complement: CDK4 is on the minus strand). VCF-style: chr12-57751358-GC-AT. GRCh37 (hg19) VCF-style: chr12-58145141-GC-AT.
Identifiers: ClinVar variation 3378878 (VCV003378878.1).